The following is an entry in ClinVar:

ClinVar aggregate classification (germline): Benign (1 of 4 stars; one submission).

Allele frequency attached by ClinVar (database versions not stated): TOPMed 0.39340; 1000 Genomes Project 0.39417; 1000 Genomes Project 30x 0.39522; gnomAD 0.40015 and 0.40112.
gnomAD v4.1: 60,754 of 152,028 alleles (40%); highest among the groups gnomAD compares: African/African-American, 49%; 12,386 homozygotes.

Submission:

GeneDx
Classification: Benign. Last evaluated: 2018-06-18. Review status: criteria provided, single submitter. Criteria: GeneDx Variant Classification (06012015). Collection method: clinical testing. Allele origin: germline. Affected: yes.
Comment: This variant is considered likely benign or benign based on one or more of the following criteria: it is a conservative change, it occurs at a poorly conserved position in the protein, it is predicted to be benign by multiple in silico algorithms, and/or has population frequency not consistent with disease.

NM_182961.4(SYNE1):c.23146-208T>C

Gene: SYNE1 (spectrin repeat containing nuclear envelope protein 1; minus strand). Cytogenetic location: 6q25.2.
Variant type: single nucleotide variant.
Coding change: c.23146-208T>C on transcript NM_182961.4 (MANE Select); 208 bases into the intron before coding-DNA position 23146, T replaced by C.
Molecular consequence: intron variant.
Genome position (GRCh38, 1-based): chr6:152,189,615, A>G on the plus strand (T>C on the coding strand, the complement: SYNE1 is on the minus strand). VCF-style: chr6-152189615-A-G. GRCh37 (hg19) VCF-style: chr6-152510750-A-G.
Other names: c.22933-208T>C (NM_033071.5).
Identifiers: ClinVar variation 670676 (VCV000670676.1), dbSNP rs2813523, ClinGen allele CA150199110.
Genomic context (GRCh38, chr6:152,189,615, plus strand): 5'-ATTACAGATTTGGTTCCAGACCACTGAAATAAAGTATATATCACAATAAAGTGAGTCACA[A>G]ATTTTTTGGTTTCTCAGTGCATATAAAAGTTATGTTTACACTATACTATTGTGTATAAAA-3'